The following is an entry in ClinVar:

ClinVar aggregate classification (germline): Likely benign (1 of 4 stars; one submission).

Allele frequency attached by ClinVar (database versions not stated): TOPMed 0.00005; gnomAD 0.00006; gnomAD exomes 0.00006 and 0.00007; ExAC 0.00015.
gnomAD v4.1: 108 of 1,551,586 alleles (0.007%); highest among the groups gnomAD compares: Non-Finnish European, 0.0092%; no homozygotes.

Submission:

Institute for Genomic Medicine (IGM) Clinical Laboratory, Nationwide Children's Hospital
Classification: Likely benign. Last evaluated: 2017-07-11. Review status: criteria provided, single submitter. Criteria: ACMG Guidelines, 2015. Collection method: clinical testing. Allele origin: germline.
Comment: BS1, BP4; This alteration has an allele frequency that is greater than expected for the associated disease, and is predicted to be tolerated by multiple functional prediction tools.

NM_001142285.2(RPS24):c.472G>T (p.Ala158Ser)

Gene: RPS24 (ribosomal protein S24; plus strand). Cytogenetic location: 10q22.3.
Variant type: single nucleotide variant.
Coding change: c.472G>T on transcript NM_001142285.2; coding-DNA position 472, G replaced by T.
Protein change: p.Ala158Ser; replaces alanine 158 with serine.
Molecular consequence: missense variant.
Genome position (GRCh38, 1-based): chr10:78,054,612, G>T. VCF-style: chr10-78054612-G-T. GRCh37 (hg19) VCF-style: chr10-79814370-G-T.
Other names: short protein forms A158S.
Identifiers: ClinVar variation 599468 (VCV000599468.7), dbSNP rs779783104, ClinGen allele CA5572087.